The following is an entry in ClinVar:

ClinVar aggregate classification (germline): Uncertain significance (1 of 4 stars; one submission).

Allele frequency attached by ClinVar (database versions not stated): ExAC 0.00001; gnomAD exomes 0.00001.
gnomAD v4.1: 5 of 1,614,036 alleles (0.00031%); highest among the groups gnomAD compares: Admixed American, 0.0017%; no homozygotes.

Submission:

Labcorp Genetics (formerly Invitae), Labcorp
Classification: Uncertain significance. Last evaluated: 2023-05-09. Review status: criteria provided, single submitter. Criteria: Invitae Variant Classification Sherloc (09022015). Collection method: clinical testing. Allele origin: germline.
Comment: This variant is present in population databases (rs764586583, gnomAD 0.0009%). This sequence change replaces alanine, which is neutral and non-polar, with threonine, which is neutral and polar, at codon 835 of the CCDC141 protein (p.Ala835Thr). This variant has not been reported in the literature in individuals affected with CCDC141-related conditions. An algorithm developed to predict the effect of missense changes on protein structure and function (PolyPhen-2) suggests that this variant is likely to be tolerated. In summary, the available evidence is currently insufficient to determine the role of this variant in disease. Therefore, it has been classified as a Variant of Uncertain Significance.

NM_173648.4(CCDC141):c.2503G>A (p.Ala835Thr)

Gene: CCDC141 (coiled-coil domain containing 141; minus strand). Cytogenetic location: 2q31.2.
Variant type: single nucleotide variant.
Coding change: c.2503G>A on transcript NM_173648.4 (MANE Select); coding-DNA position 2503, G replaced by A.
Protein change: p.Ala835Thr; replaces alanine 835 with threonine.
Molecular consequence: missense variant.
Genome position (GRCh38, 1-based): chr2:178,868,097, C>T on the plus strand (G>A on the coding strand, the complement: CCDC141 is on the minus strand). VCF-style: chr2-178868097-C-T. GRCh37 (hg19) VCF-style: chr2-179732824-C-T.
Other names: short protein forms A835T.
Identifiers: ClinVar variation 3010431 (VCV003010431.3), dbSNP rs764586583, ClinGen allele CA2006995.